The following is an entry in ClinVar:

NM_032119.4(ADGRV1):c.12868C>T (p.Arg4290Cys)

Gene: ADGRV1 (adhesion G protein-coupled receptor V1; plus strand). Cytogenetic location: 5q14.3.
Variant type: single nucleotide variant.
Coding change: c.12868C>T on transcript NM_032119.4 (MANE Select); coding-DNA position 12868, C replaced by T.
Protein change: p.Arg4290Cys; replaces arginine 4290 with cysteine.
Molecular consequence: missense variant. On other transcripts: non-coding transcript variant (1).
Genome position (GRCh38, 1-based): chr5:90,778,883, C>T. VCF-style: chr5-90778883-C-T. GRCh37 (hg19) VCF-style: chr5-90074700-C-T.
Other names: c.12868C>T (NM_032119.3); short protein forms R4290C.
Identifiers: ClinVar variation 1438158 (VCV001438158.5), dbSNP rs775861115, ClinGen allele CA3341369.

ClinVar aggregate classification (germline): Uncertain significance. Review status: criteria provided, multiple submitters, no conflicts (2 of 4 stars). 3 submissions from 3 submitters: Uncertain significance (3). Last evaluated 2025-05-08.

Allele frequency attached by ClinVar (database versions not stated): ExAC 0.00001; gnomAD 0.00001; gnomAD exomes 0.00001.
gnomAD v4.1: 10 of 1,611,376 alleles (0.00062%); highest among the groups gnomAD compares: African/African-American, 0.0013%; no homozygotes.

Submissions (3):

GeneDx
Classification: Uncertain significance. Last evaluated: 2025-05-08. Review status: criteria provided, single submitter. Criteria: GeneDx Variant Classification Process June 2021. Collection method: clinical testing. Allele origin: germline. Affected: yes.
Comment: Not observed at significant frequency in large population cohorts (gnomAD); In silico analysis supports that this missense variant has a deleterious effect on protein structure/function; In silico analysis is inconclusive as to whether the variant alters gene splicing. In the absence of RNA/functional studies, the actual effect of this sequence change is unknown.; Has not been previously published as pathogenic or benign to our knowledge

Blueprint Genetics
Classification: Uncertain significance. Last evaluated: 2022-08-16. Review status: criteria provided, single submitter. Criteria: ACMG Guidelines, 2015. Collection method: clinical testing. Allele origin: germline.

Labcorp Genetics (formerly Invitae), Labcorp
Classification: Uncertain significance. Last evaluated: 2022-08-16. Review status: criteria provided, single submitter. Criteria: Invitae Variant Classification Sherloc (09022015). Collection method: clinical testing. Allele origin: germline.
Comment: This sequence change replaces arginine, which is basic and polar, with cysteine, which is neutral and slightly polar, at codon 4290 of the ADGRV1 protein (p.Arg4290Cys). This variant is present in population databases (rs775861115, gnomAD 0.002%). This variant has not been reported in the literature in individuals affected with ADGRV1-related conditions. ClinVar contains an entry for this variant (Variation ID: 1438158). Algorithms developed to predict the effect of missense changes on protein structure and function (SIFT, PolyPhen-2, Align-GVGD) all suggest that this variant is likely to be disruptive. Algorithms developed to predict the effect of sequence changes on RNA splicing suggest that this variant may disrupt the consensus splice site. In summary, the available evidence is currently insufficient to determine the role of this variant in disease. Therefore, it has been classified as a Variant of Uncertain Significance.